The following is an entry in ClinVar:

ClinVar aggregate classification (germline): Uncertain significance. Review status: criteria provided, multiple submitters, no conflicts (2 of 4 stars). 2 submissions from 2 submitters: Uncertain significance (2). Last evaluated 2023-04-24.

Conditions:
Kabuki syndrome 2 (KABUK2). Also called: KDM6A-Related Kabuki Syndrome. Identifiers: Orphanet 2322, MedGen C3275495, MONDO:0010465, OMIM 300867.

Allele frequency attached by ClinVar (database versions not stated): gnomAD exomes below 0.00001.
gnomAD v4.1: 3 of 1,210,092 alleles (0.00025%); highest among the groups gnomAD compares: Non-Finnish European, 0.00034%; no homozygotes.

Submissions (2):

Labcorp Genetics (formerly Invitae), Labcorp
Classification: Uncertain significance for Kabuki syndrome 2. Last evaluated: 2023-04-24. Review status: criteria provided, single submitter. Criteria: Invitae Variant Classification Sherloc (09022015). Collection method: clinical testing. Allele origin: germline.
Comment: Advanced modeling of protein sequence and biophysical properties (such as structural, functional, and spatial information, amino acid conservation, physicochemical variation, residue mobility, and thermodynamic stability) performed at Invitae indicates that this missense variant is not expected to disrupt KDM6A protein function. In summary, the available evidence is currently insufficient to determine the role of this variant in disease. Therefore, it has been classified as a Variant of Uncertain Significance. This sequence change replaces alanine, which is neutral and non-polar, with threonine, which is neutral and polar, at codon 672 of the KDM6A protein (p.Ala672Thr). This variant is not present in population databases (gnomAD no frequency). This variant has not been reported in the literature in individuals affected with KDM6A-related conditions.

GeneDx
Classification: Uncertain significance. Last evaluated: 2023-04-19. Review status: criteria provided, single submitter. Criteria: GeneDx Variant Classification Process June 2021. Collection method: clinical testing. Allele origin: germline. Affected: yes.
Comment: Not observed at significant frequency in large population cohorts (gnomAD); In silico analysis supports that this missense variant does not alter protein structure/function; Has not been previously published as pathogenic or benign to our knowledge

NM_001291415.2(KDM6A):c.2170G>A (p.Ala724Thr)

Gene: KDM6A (lysine demethylase 6A; plus strand). Cytogenetic location: Xp11.3.
Variant type: single nucleotide variant.
Coding change: c.2170G>A on transcript NM_001291415.2 (MANE Select); coding-DNA position 2170, G replaced by A.
Protein change: p.Ala724Thr; replaces alanine 724 with threonine.
Molecular consequence: missense variant. On other transcripts: non-coding transcript variant (1).
Genome position (GRCh38, 1-based): chrX:45,069,669, G>A. VCF-style: chrX-45069669-G-A. GRCh37 (hg19) VCF-style: chrX-44928914-G-A.
Other names: c.2035G>A, p.Ala679Thr (NM_001291416.2, NM_001419811.1); c.1879G>A, p.Ala627Thr (NM_001291417.2); c.1777G>A, p.Ala593Thr (NM_001291418.2, NM_001419815.1); c.1126G>A, p.Ala376Thr (NM_001291421.2); c.1912G>A, p.Ala638Thr (NM_001410742.1, NM_001419814.1); c.2170G>A, p.Ala724Thr (NM_001419809.1); c.2068G>A, p.Ala690Thr (NM_001419810.1, NM_001419813.1); c.2014G>A, p.Ala672Thr (NM_001419812.1, NM_021140.4); and 1 more; short protein forms A376T, A593T, A672T, A679T, A690T, A724T, A627T, A638T.
Identifiers: ClinVar variation 2778950 (VCV002778950.4), dbSNP rs2522969281, ClinGen allele CA412792404.
Genomic context (GRCh38, chrX:45,069,669, plus strand): 5'-GCAGGTCCTAATGGTGAACGACCTCTCTCTTCCACTGGGCCTTCCCAGCATCTCCAGGCA[G>A]CTGGCTCTGGTATTCAGAATCAGAACGGACATCCCACCCTGCCTAGCAATTCAGTAACAC-3'
Protein context (NP_001278344.1, residues 714-734): STGPSQHLQA[Ala724Thr]GSGIQNQNGH